The following is an entry in ClinVar:

NM_020433.5(JPH2):c.1701C>G (p.His567Gln)

Gene: JPH2 (junctophilin 2; minus strand). Cytogenetic location: 20q13.12.
Variant type: single nucleotide variant.
Coding change: c.1701C>G on transcript NM_020433.5 (MANE Select); coding-DNA position 1701, C replaced by G.
Protein change: p.His567Gln; replaces histidine 567 with glutamine.
Molecular consequence: missense variant.
Genome position (GRCh38, 1-based): chr20:44,115,974, G>C on the plus strand (C>G on the coding strand, the complement: JPH2 is on the minus strand). VCF-style: chr20-44115974-G-C. GRCh37 (hg19) VCF-style: chr20-42744614-G-C.
Other names: short protein forms H567Q.
Identifiers: ClinVar variation 5022894 (VCV005022894.1).

ClinVar aggregate classification (germline): Uncertain significance (1 of 4 stars; one submission).

Conditions:
Cardiovascular phenotype. Identifiers: MedGen CN230736.

gnomAD v4.1: 9 of 1,577,384 alleles (0.00057%); highest among the groups gnomAD compares: Non-Finnish European, 0.00077%; no homozygotes.

Submission:

Ambry Genetics
Classification: Uncertain significance for Cardiovascular phenotype. Last evaluated: 2026-07-29. Review status: criteria provided, single submitter. Criteria: Ambry Variant Classification Scheme 2023. Collection method: clinical testing. Allele origin: germline.
Comment: The p.H567Q variant (also known as c.1701C>G), located in coding exon 4 of the JPH2 gene, results from a C to G substitution at nucleotide position 1701. The histidine at codon 567 is replaced by glutamine, an amino acid with highly similar properties. This amino acid position is highly conserved in available vertebrate species. In addition, this alteration is predicted to be tolerated by in silico analysis. Based on the available evidence, the clinical significance of this variant remains unclear.